The following is an entry in ClinVar:

NM_130398.4(EXO1):c.896A>G (p.Asn299Ser)

Gene: EXO1 (exonuclease 1; plus strand). Cytogenetic location: 1q43.
Variant type: single nucleotide variant.
Coding change: c.896A>G on transcript NM_130398.4 (MANE Select); coding-DNA position 896, A replaced by G.
Protein change: p.Asn299Ser; replaces asparagine 299 with serine.
Molecular consequence: missense variant.
Genome position (GRCh38, 1-based): chr1:241,860,656, A>G. VCF-style: chr1-241860656-A-G. GRCh37 (hg19) VCF-style: chr1-242023958-A-G.
Other names: c.896A>G, p.Asn299Ser (NM_006027.4, NM_001319224.2, NM_003686.4); c.896A>G (NM_130398.3); short protein forms N299S.
Identifiers: ClinVar variation 730662 (VCV000730662.6), dbSNP rs4149910, ClinGen allele CA1481181.

ClinVar aggregate classification (germline): Benign. Review status: criteria provided, multiple submitters, no conflicts (2 of 4 stars). 3 submissions from 3 submitters: Benign (2). 1 of the submissions does not count toward it. Last evaluated 2018-05-08.

Conditions:
EXO1-related disorder. Also called: EXO1-related condition.

Allele frequency attached by ClinVar (database versions not stated): gnomAD exomes 0.00060 and 0.00165; ExAC 0.00220; gnomAD 0.00585 and 0.00622; 1000 Genomes Project 30x 0.00656; TOPMed 0.00666; 1000 Genomes Project 0.00719; ESP Exome Variant Server 0.00753.
gnomAD v4.1: 1,796 of 1,614,092 alleles (0.11%); highest among the groups gnomAD compares: African/African-American, 2.1%; 12 homozygotes.

Submissions (3):

Labcorp Genetics (formerly Invitae), Labcorp
Classification: Benign. Last evaluated: 2018-05-08. Review status: criteria provided, single submitter. Criteria: Invitae Variant Classification Sherloc (09022015). Collection method: clinical testing. Allele origin: germline.

Breakthrough Genomics
Classification: Benign. Review status: criteria provided, single submitter. Criteria: ACMG Guidelines, 2015. Collection method: not provided. Allele origin: germline. Inheritance: Unknown mechanism. Affected: yes.

PreventionGenetics, part of Exact Sciences
Classification: Benign for EXO1-related condition. Last evaluated: 2019-04-01. Review status: no assertion criteria provided. Collection method: clinical testing. Allele origin: germline. Not counted in ClinVar's aggregate classification.
Comment: This variant is classified as benign based on ACMG/AMP sequence variant interpretation guidelines (Richards et al. 2015 PMID: 25741868, with internal and published modifications).